The following is an entry in ClinVar:

ClinVar aggregate classification (germline): Uncertain significance (1 of 4 stars; one submission).

Conditions:
Inborn genetic diseases. Identifiers: MedGen C0950123, MeSH D030342.

Submission:

Ambry Genetics
Classification: Uncertain significance for Inborn genetic diseases. Last evaluated: 2024-12-02. Review status: criteria provided, single submitter. Criteria: Ambry Variant Classification Scheme 2023. Collection method: clinical testing. Allele origin: germline.
Comment: The p.T1339A variant (also known as c.4015A>G), located in coding exon 14 of the FANCM gene, results from an A to G substitution at nucleotide position 4015. The threonine at codon 1339 is replaced by alanine, an amino acid with similar properties. This amino acid position is conserved. In addition, this alteration is predicted to be tolerated by in silico analysis. Based on the available evidence, the clinical significance of this variant remains unclear.

NM_020937.4(FANCM):c.4015A>G (p.Thr1339Ala)

Gene: FANCM (FA complementation group M; plus strand). Cytogenetic location: 14q21.2.
Variant type: single nucleotide variant.
Coding change: c.4015A>G on transcript NM_020937.4 (MANE Select); coding-DNA position 4015, A replaced by G.
Protein change: p.Thr1339Ala; replaces threonine 1339 with alanine.
Molecular consequence: missense variant.
Genome position (GRCh38, 1-based): chr14:45,176,769, A>G. VCF-style: chr14-45176769-A-G. GRCh37 (hg19) VCF-style: chr14-45645972-A-G.
Other names: c.3937A>G, p.Thr1313Ala (NM_001308133.2); short protein forms T1313A, T1339A.
Identifiers: ClinVar variation 3512962 (VCV003512962.1).
Genomic context (GRCh38, chr14:45,176,769, plus strand): 5'-GAATTGTTATCTCCTGGTTATTCTCAGTTTTCTTTACCAGTGCAAAAAAAAGTTATGAGT[A>G]CACCACTCTCTAAATCAAACACATTGAACTCATTTTCTAAGATAAGAAAGGAAATACTTA-3'
Protein context (NP_065988.1, residues 1329-1349): SLPVQKKVMS[Thr1339Ala]PLSKSNTLNS